The following is an entry in ClinVar:

NM_000256.3(MYBPC3):c.2482G>C (p.Glu828Gln)

Gene: MYBPC3 (myosin binding protein C3; minus strand). Cytogenetic location: 11p11.2.
Variant type: single nucleotide variant.
Coding change: c.2482G>C on transcript NM_000256.3 (MANE Select); coding-DNA position 2482, G replaced by C.
Protein change: p.Glu828Gln; replaces glutamic acid 828 with glutamine.
Molecular consequence: missense variant.
Genome position (GRCh38, 1-based): chr11:47,337,511, C>G on the plus strand (G>C on the coding strand, the complement: MYBPC3 is on the minus strand). VCF-style: chr11-47337511-C-G. GRCh37 (hg19) VCF-style: chr11-47359062-C-G.
Other names: short protein forms E828Q.
Identifiers: ClinVar variation 925709 (VCV000925709.3), dbSNP rs770514536, ClinGen allele CA078745.

ClinVar aggregate classification (germline): Uncertain significance (1 of 4 stars; one submission).

Conditions:
Cardiomyopathy (CMYO). Also called: Cardiomyopathies. Identifiers: Orphanet 167848, MedGen C0878544, MONDO:0004994, HP:0001638. Inheritance: Various modes of inheritance.

Allele frequency attached by ClinVar (database versions not stated): gnomAD exomes below 0.00001; ExAC 0.00001.
gnomAD v4.1: 2 of 1,614,026 alleles (0.00012%); highest among the groups gnomAD compares: South Asian, 0.0022%; no homozygotes.

Submission:

Color Diagnostics, LLC DBA Color Health
Classification: Uncertain significance for Cardiomyopathy. Last evaluated: 2019-10-09. Review status: criteria provided, single submitter. Criteria: ACMG Guidelines, 2015. Collection method: clinical testing. Allele origin: germline.
Comment: This missense variant replaces glutamic acid with glutamine at codon 828 of the MYBPC3 protein. Computational prediction tool suggests that this variant may not impact protein structure and function (internally defined REVEL score threshold ≤0.5, PMID: 27666373). Splice site prediction tools suggest that this variant may not impact RNA splicing. To our knowledge, functional studies have not been performed for this variant. This variant has not been reported in individuals affected with cardiovascular disorders in the literature. This variant has been identified in 1/249194 chromosomes in the general population by the Genome Aggregation Database (gnomAD). The available evidence is insufficient to determine the role of this variant in disease conclusively. Therefore, this variant is classified as a Variant of Uncertain Significance.